The following is an entry in ClinVar:

ClinVar aggregate classification (germline): Uncertain significance (1 of 4 stars; one submission).

Submission:

Labcorp Genetics (formerly Invitae), Labcorp
Classification: Uncertain significance. Last evaluated: 2022-10-27. Review status: criteria provided, single submitter. Criteria: Invitae Variant Classification Sherloc (09022015). Collection method: clinical testing. Allele origin: germline.
Comment: Experimental studies and prediction algorithms are not available or were not evaluated, and the functional significance of this variant is currently unknown. This variant has not been reported in the literature in individuals affected with ANKRD26-related conditions. This variant is not present in population databases (gnomAD no frequency). This variant, c.3988_3999del, results in the deletion of 4 amino acid(s) of the ANKRD26 protein (p.Glu1330_Lys1333del), but otherwise preserves the integrity of the reading frame. In summary, the available evidence is currently insufficient to determine the role of this variant in disease. Therefore, it has been classified as a Variant of Uncertain Significance.

NM_014915.3(ANKRD26):c.3988_3999del (p.Glu1330_Lys1333del)

Gene: ANKRD26 (ankyrin repeat domain 26; minus strand). Cytogenetic location: 10p12.1.
Variant type: Deletion.
Coding change: c.3988_3999del on transcript NM_014915.3 (MANE Select); coding-DNA positions 3988 to 3999, 12 bases deleted (GAACAATTAAAG).
Protein change: p.Glu1330_Lys1333del.
Molecular consequence: inframe deletion.
Genome position (GRCh38, 1-based): chr10:27,024,533-27,024,544, CTTTAATTGTTC deleted on the plus strand (GAACAATTAAAG on the coding strand, the reverse complement: ANKRD26 is on the minus strand); deleting any 12 consecutive bases within chr10:27,024,533-27,024,548 gives the same sequence; the c. name uses the placement nearest the transcript's 3' end. VCF-style (leftmost placement, unchanged base first): chr10-27024532-TCTTTAATTGTTC-T. GRCh37 (hg19) VCF-style: chr10-27313461-TCTTTAATTGTTC-T.
Other names: c.3985_3996del, p.Glu1329_Lys1332del (NM_001256053.2).
Identifiers: ClinVar variation 2809188 (VCV002809188.3), dbSNP rs2538651946, ClinGen allele CA2739265321.
Genomic context (GRCh38, chr10:27,024,532, plus strand): 5'-CATTTTTCTTCATTTCTTGATCCAAATTACATTCCAGTGACTGTTTTAATTCCATAAGTT[TCTTTAATTGTTC>T]CTTTTCATCTTCAGACTTTGAAACAAAATATTTTCAATTACTTTTAAAACTCTGGAAACA-3'